The following is an entry in ClinVar:

NM_000038.6(APC):c.6156G>A (p.Lys2052=)

Gene: APC (APC regulator of Wnt signaling pathway; plus strand). Cytogenetic location: 5q22.2.
Variant type: single nucleotide variant.
Coding change: c.6156G>A on transcript NM_000038.6 (MANE Select); coding-DNA position 6156, G replaced by A.
Protein change: p.Lys2052=; no amino-acid change (lysine 2052 retained).
Molecular consequence: synonymous variant.
Genome position (GRCh38, 1-based): chr5:112,841,750, G>A. VCF-style: chr5-112841750-G-A. GRCh37 (hg19) VCF-style: chr5-112177447-G-A.
Other names: c.6156G>A, p.Lys2052= (NM_001127510.3, NM_001354895.2); c.6102G>A, p.Lys2034= (NM_001127511.3); c.6210G>A, p.Lys2070= (NM_001354896.2); c.6186G>A, p.Lys2062= (NM_001354897.2); c.6081G>A, p.Lys2027= (NM_001354898.2); c.6072G>A, p.Lys2024= (NM_001354899.2); c.6033G>A, p.Lys2011= (NM_001354900.2); c.5979G>A, p.Lys1993= (NM_001354901.2); and 5 more.
Identifiers: ClinVar variation 765007 (VCV000765007.20), dbSNP rs1580668268, ClinGen allele CA446209190.
Genomic context (GRCh38, chr5:112,841,750, plus strand): 5'-TGACTCTGAAGATGACCTGTTGCAGGAATGTATAAGCTCCGCAATGCCAAAAAAGAAAAA[G>A]CCTTCAAGACTCAAGGGTGATAATGAAAAACATAGTCCCAGAAATATGGGTGGCATATTA-3'
Protein context (NP_000029.2, residues 2042-2062): CISSAMPKKK[Lys2052=]PSRLKGDNEK

ClinVar aggregate classification (germline): Benign/Likely benign. Review status: criteria provided, multiple submitters, no conflicts (2 of 4 stars). 4 submissions from 4 submitters: Benign (1); Likely benign (3). Last evaluated 2025-11-09.

Conditions:
Familial adenomatous polyposis 1 (FAP1). Also called: FAMILIAL ADENOMATOUS POLYPOSIS 1, ATTENUATED; POLYPOSIS, ADENOMATOUS INTESTINAL. Identifiers: MedGen C2713442, MONDO:0021056, OMIM 175100. Disease mechanism: loss of function.
Hereditary cancer-predisposing syndrome. Also called: Tumor predisposition; Neoplastic Syndromes, Hereditary; Hereditary Cancer Syndrome; Hereditary neoplastic syndrome. Identifiers: Orphanet 140162, MedGen C0027672, MeSH D009386, MONDO:0015356.

Allele frequency attached by ClinVar (database versions not stated): TOPMed below 0.00001.

Submissions (4):

Labcorp Genetics (formerly Invitae), Labcorp
Classification: Likely benign for Familial adenomatous polyposis 1. Last evaluated: 2025-11-09. Review status: criteria provided, single submitter. Criteria: Invitae Variant Classification Sherloc (09022015). Collection method: clinical testing. Allele origin: germline.

Center for Genomic Medicine, Rigshospitalet, Copenhagen University Hospital
Classification: Likely benign. Last evaluated: 2025-03-04. Review status: criteria provided, single submitter. Criteria: ACMG Guidelines, 2015. Collection method: clinical testing. Allele origin: germline.

Myriad Genetics, Inc.
Classification: Benign for Familial adenomatous polyposis 1. Last evaluated: 2024-04-03. Review status: criteria provided, single submitter. Criteria: Myriad Autosomal Dominant, Autosomal Recessive and X-Linked Classification Criteria (2023). Collection method: clinical testing. Allele origin: unknown.
Comment: This variant is considered benign. This variant is a silent/synonymous amino acid change and it is not expected to impact splicing.

Ambry Genetics
Classification: Likely benign for Hereditary cancer-predisposing syndrome. Last evaluated: 2022-06-04. Review status: criteria provided, single submitter. Criteria: Ambry Variant Classification Scheme 2023. Collection method: clinical testing. Allele origin: germline.